The following is an entry in ClinVar:

NM_013275.6(ANKRD11):c.6107A>G (p.Asp2036Gly)

Gene: ANKRD11 (ankyrin repeat domain 11; minus strand). Cytogenetic location: 16q24.3.
Variant type: single nucleotide variant.
Coding change: c.6107A>G on transcript NM_013275.6 (MANE Select); coding-DNA position 6107, A replaced by G.
Protein change: p.Asp2036Gly; replaces aspartic acid 2036 with glycine.
Molecular consequence: missense variant.
Genome position (GRCh38, 1-based): chr16:89,280,435, T>C on the plus strand (A>G on the coding strand, the complement: ANKRD11 is on the minus strand). VCF-style: chr16-89280435-T-C. GRCh37 (hg19) VCF-style: chr16-89346843-T-C.
Other names: c.6107A>G, p.Asp2036Gly (NM_001256182.2, NM_001256183.2); short protein forms D2036G.
Identifiers: ClinVar variation 4847200 (VCV004847200.1).

ClinVar aggregate classification (germline): Uncertain significance (1 of 4 stars; one submission).

gnomAD v4.1: 1 of 1,580,694 alleles (0.000063%); highest among the groups gnomAD compares: Non-Finnish European, 0.000086%; no homozygotes.

Submission:

Women's Health and Genetics/Laboratory Corporation of America, LabCorp
Classification: Uncertain significance. Last evaluated: 2026-03-31. Review status: criteria provided, single submitter. Criteria: LabCorp Variant Classification Summary - May 2015. Collection method: clinical testing. Allele origin: germline.
Comment: Variant summary: ANKRD11 c.6107A>G (p.Asp2036Gly) results in a non-conservative amino acid change in the encoded protein sequence. Algorithms developed to predict the effect of missense changes on protein structure and function are either unavailable or do not agree on the potential impact of this missense change. The variant was absent in 195118 control chromosomes. The available data on variant occurrences in the general population are insufficient to allow any conclusion about variant significance. To our knowledge, no occurrence of c.6107A>G in individuals affected with ANKRD11-related conditions and no experimental evidence demonstrating its impact on protein function have been reported. No submitters have cited clinical-significance assessments for this variant to ClinVar. Based on the evidence outlined above, the variant was classified as uncertain significance.